The following is an entry in ClinVar:

NM_001267550.2(TTN):c.30444G>A (p.Ser10148=)

Gene: TTN (titin; minus strand). Cytogenetic location: 2q31.2.
Variant type: single nucleotide variant.
Coding change: c.30444G>A on transcript NM_001267550.2 (MANE Select); coding-DNA position 30444, G replaced by A.
Protein change: p.Ser10148=; no amino-acid change (serine 10148 retained).
Molecular consequence: synonymous variant. On other transcripts: intron variant (3).
Genome position (GRCh38, 1-based): chr2:178,702,235, C>T on the plus strand (G>A on the coding strand, the complement: TTN is on the minus strand). VCF-style: chr2-178702235-C-T. GRCh37 (hg19) VCF-style: chr2-179566962-C-T.
Other names: c.29493G>A, p.Ser9831= (NM_001256850.1); c.26712G>A, p.Ser8904= (NM_133378.4); c.13282+35847G>A (NM_003319.4); c.13858+35847G>A (NM_133437.4); c.13657+35847G>A (NM_133432.3).
Identifiers: ClinVar variation 46836 (VCV000046836.54), dbSNP rs367901929, ClinGen allele CA139309.
Genomic context (GRCh38, chr2:178,702,235, plus strand): 5'-CGTTAGGTACAGCTCTGCCGTGCTTCTTGCTTCACCTCTTGGCTCCAGCCGAGCGATGAC[C>T]GAGTAGACACCTAGGGTGAAAAATCATCCAACTTTTGTTTTCTGATATGTTGCAAATAAC-3'
Protein context (NP_001254479.2, residues 10138-10158): NVTPDDEGVY[Ser10148=]VIARLEPRGE

ClinVar aggregate classification (germline): Benign/Likely benign. Review status: criteria provided, multiple submitters, no conflicts (2 of 4 stars). 17 submissions from 14 submitters: Benign (5); Likely benign (7). 5 of the submissions do not count toward it. Last evaluated 2026-05-01.

Conditions:
TTN-related disorder. Also called: TTN-related condition; TTN-related disease; TTN-related disorders.
Dilated cardiomyopathy 1G (CMD1G). Identifiers: Orphanet 154, MedGen C1858763, MONDO:0011400, OMIM 604145.
Autosomal recessive limb-girdle muscular dystrophy type 2J (LGMDR10). Also called: Limb-girdle muscular dystrophy, type 2J; MUSCULAR DYSTROPHY, LIMB-GIRDLE, AUTOSOMAL RECESSIVE 10. Identifiers: Orphanet 140922, MedGen C1837342, MONDO:0012127, OMIM 608807.
Early-onset myopathy with fatal cardiomyopathy (CMYO5). Also called: Salih Myopathy; CONGENITAL MYOPATHY 5 WITH CARDIOMYOPATHY. Identifiers: Orphanet 289377, MedGen C2673677, MONDO:0012714, OMIM 611705. Disease mechanism: loss of function.
Myopathy, myofibrillar, 9, with early respiratory failure (MFM9). Also called: Hereditary myopathy with early respiratory failure; Myopathy, distal, with early respiratory failure, autosomal dominant; EDSTROM MYOPATHY; MYOPATHY, PROXIMAL, WITH EARLY RESPIRATORY MUSCLE INVOLVEMENT. Identifiers: Orphanet 178464, Orphanet 34521, MedGen C1863599, MONDO:0011362, OMIM 603689.
Tibial muscular dystrophy (TMD). Also called: Udd Distal Myopathy – Tibial Muscular Dystrophy; Tibial muscular dystrophy, tardive; UDD MYOPATHY. Identifiers: Orphanet 609, MedGen C1838244, MONDO:0010870, OMIM 600334.

Allele frequency attached by ClinVar (database versions not stated): gnomAD 0.00003; ESP Exome Variant Server 0.00008; TOPMed 0.00010; 1000 Genomes Project 30x 0.00016; gnomAD exomes 0.00019 and 0.00032; 1000 Genomes Project 0.00020; ExAC 0.00036.
gnomAD v4.1: 293 of 1,613,896 alleles (0.018%); highest among the groups gnomAD compares: South Asian, 0.23%; 2 homozygotes.

Submissions (17):

CeGaT Center for Human Genetics Tuebingen
Classification: Likely benign. Last evaluated: 2026-05-01. Review status: criteria provided, single submitter. Criteria: CeGaT Center For Human Genetics Tuebingen Variant Classification Criteria Version 2. Collection method: clinical testing. Allele origin: germline. Affected: yes. Observed: 2 variant alleles.
Comment: TTN: BP4, BP7

Labcorp Genetics (formerly Invitae), Labcorp
Classification: Benign for Dilated cardiomyopathy 1G; Autosomal recessive limb-girdle muscular dystrophy type 2J. Last evaluated: 2026-01-25. Review status: criteria provided, single submitter. Criteria: Invitae Variant Classification Sherloc (09022015). Collection method: clinical testing. Allele origin: germline.

Molecular Diagnostic Laboratory for Inherited Cardiovascular Disease, Montreal Heart Institute
Classification: Likely benign. Last evaluated: 2025-04-09. Review status: criteria provided, single submitter. Criteria: ACMG Guidelines, 2015. Collection method: clinical testing. Allele origin: germline. Affected: no.

Blueprint Genetics
Classification: Likely benign. Last evaluated: 2024-05-30. Review status: criteria provided, single submitter. Criteria: ACMG Guidelines, 2015. Collection method: clinical testing. Allele origin: germline.

Women's Health and Genetics/Laboratory Corporation of America, LabCorp
Classification: Likely benign. Last evaluated: 2022-05-16. Review status: criteria provided, single submitter. Criteria: LabCorp Variant Classification Summary - May 2015. Collection method: clinical testing. Allele origin: germline.

Genome-Nilou Lab
Classification: Benign for Autosomal recessive limb-girdle muscular dystrophy type 2J. Last evaluated: 2021-09-10. Review status: criteria provided, single submitter. Criteria: ACMG Guidelines, 2015. Collection method: clinical testing. Allele origin: germline. Affected: no.

Genome-Nilou Lab
Classification: Benign for Myopathy, myofibrillar, 9, with early respiratory failure. Last evaluated: 2021-09-10. Review status: criteria provided, single submitter. Criteria: ACMG Guidelines, 2015. Collection method: clinical testing. Allele origin: germline. Affected: no.

Genome-Nilou Lab
Classification: Benign for Early-onset myopathy with fatal cardiomyopathy. Last evaluated: 2021-09-10. Review status: criteria provided, single submitter. Criteria: ACMG Guidelines, 2015. Collection method: clinical testing. Allele origin: germline. Affected: no.

Genome-Nilou Lab
Classification: Benign for Tibial muscular dystrophy. Last evaluated: 2021-09-10. Review status: criteria provided, single submitter. Criteria: ACMG Guidelines, 2015. Collection method: clinical testing. Allele origin: germline. Affected: no.

GeneDx
Classification: Likely benign. Last evaluated: 2018-01-05. Review status: criteria provided, single submitter. Criteria: GeneDx Variant Classification (06012015). Collection method: clinical testing. Allele origin: germline. Affected: yes.
Comment: This variant is considered likely benign or benign based on one or more of the following criteria: it is a conservative change, it occurs at a poorly conserved position in the protein, it is predicted to be benign by multiple in silico algorithms, and/or has population frequency not consistent with disease.

Eurofins Ntd Llc (ga)
Classification: Likely benign. Last evaluated: 2017-05-24. Review status: criteria provided, single submitter. Criteria: EGL Classification Definitions 2015. Collection method: clinical testing. Allele origin: germline. Observed: 2 variant alleles, 2 heterozygotes.

Laboratory for Molecular Medicine, Mass General Brigham Personalized Medicine
Classification: Likely benign. Last evaluated: 2012-11-20. Review status: criteria provided, single submitter. Criteria: LMM Criteria. Collection method: clinical testing. Allele origin: germline. Observed: 2 variant alleles.
Comment: Ser8904Ser in exon 105 of TTN: This variant is not expected to have clinical sig nificance because it does not alter an amino acid residue and is not located wit hin the splice consensus sequence. Ser8904Ser in exon 105 of TTN (allele freque ncy = n/a)

PreventionGenetics, part of Exact Sciences
Classification: Likely benign for TTN-related condition. Last evaluated: 2019-04-08. Review status: no assertion criteria provided. Collection method: clinical testing. Allele origin: germline. Not counted in ClinVar's aggregate classification.
Comment: This variant is classified as likely benign based on ACMG/AMP sequence variant interpretation guidelines (Richards et al. 2015 PMID: 25741868, with internal and published modifications).

Clinical Genetics DNA and cytogenetics Diagnostics Lab, Erasmus MC, Erasmus Medical Center
Classification: Likely benign. Review status: no assertion criteria provided. Collection method: clinical testing. Allele origin: germline. Affected: yes. Study: VKGL Data-share Consensus. Not counted in ClinVar's aggregate classification.

Clinical Genetics, Academic Medical Center
Classification: Benign. Review status: no assertion criteria provided. Collection method: clinical testing. Allele origin: germline. Affected: yes. Study: VKGL Data-share Consensus. Not counted in ClinVar's aggregate classification.

Genome Diagnostics Laboratory, University Medical Center Utrecht
Classification: Likely benign. Review status: no assertion criteria provided. Collection method: clinical testing. Allele origin: germline. Affected: yes. Study: VKGL Data-share Consensus. Not counted in ClinVar's aggregate classification.

Joint Genome Diagnostic Labs from Nijmegen and Maastricht, Radboudumc and MUMC+
Classification: Likely benign. Review status: no assertion criteria provided. Collection method: clinical testing. Allele origin: germline. Affected: yes. Study: VKGL Data-share Consensus. Not counted in ClinVar's aggregate classification.